The following is an entry in ClinVar:

NM_000138.5(FBN1):c.2042C>A (p.Ser681Tyr)

Gene: FBN1 (fibrillin 1; minus strand). Cytogenetic location: 15q21.1.
Variant type: single nucleotide variant.
Coding change: c.2042C>A on transcript NM_000138.5 (MANE Select); coding-DNA position 2042, C replaced by A.
Protein change: p.Ser681Tyr; replaces serine 681 with tyrosine.
Molecular consequence: missense variant.
Genome position (GRCh38, 1-based): chr15:48,503,858, G>T on the plus strand (C>A on the coding strand, the complement: FBN1 is on the minus strand). VCF-style: chr15-48503858-G-T. GRCh37 (hg19) VCF-style: chr15-48796055-G-T.
Other names: short protein forms S681Y.
Identifiers: ClinVar variation 495570 (VCV000495570.1), dbSNP rs1555399766, ClinGen allele CA392338381.

ClinVar aggregate classification (germline): Uncertain significance (1 of 4 stars; one submission).

Submission:

Women's Health and Genetics/Laboratory Corporation of America, LabCorp
Classification: Uncertain significance. Last evaluated: 2017-02-20. Review status: criteria provided, single submitter. Criteria: LabCorp Variant Classification Summary - May 2015. Collection method: clinical testing. Allele origin: germline.
Comment: Variant summary: The FBN1 c.2042C>A (p.Ser681Tyr) variant involves the alteration of a highly conserved nucleotide and is located in the TGFBP#02 domain with 4/5 in silico tools predicting deleterious outcome. The variant is absent from control datasets of ExAC and gnomAD. Taken together, this variant is classified as VUS-possibly pathogenic.

Literature cited by the submitters: PubMed 12203987; PubMed 12203992.